The following is an entry in ClinVar:

ClinVar aggregate classification (germline): Uncertain significance (1 of 4 stars; one submission).

gnomAD v4.1: 1 of 1,610,894 alleles (0.000062%); highest among the groups gnomAD compares: Non-Finnish European, 0.000085%; no homozygotes.

Submission:

GeneDx
Classification: Uncertain significance. Last evaluated: 2024-01-17. Review status: criteria provided, single submitter. Criteria: GeneDx Variant Classification Process June 2021. Collection method: clinical testing. Allele origin: germline. Affected: yes.
Comment: Not observed at significant frequency in large population cohorts (gnomAD); In silico analysis supports that this missense variant has a deleterious effect on protein structure/function; Has not been previously published as pathogenic or benign to our knowledge

NM_006421.5(ARFGEF1):c.5241G>C (p.Trp1747Cys)

Gene: ARFGEF1 (ARF guanine nucleotide exchange factor 1; minus strand). Cytogenetic location: 8q13.2.
Variant type: single nucleotide variant.
Coding change: c.5241G>C on transcript NM_006421.5 (MANE Select); coding-DNA position 5241, G replaced by C.
Protein change: p.Trp1747Cys; replaces tryptophan 1747 with cysteine.
Molecular consequence: missense variant. On other transcripts: non-coding transcript variant (1).
Genome position (GRCh38, 1-based): chr8:67,201,493, C>G on the plus strand (G>C on the coding strand, the complement: ARFGEF1 is on the minus strand). VCF-style: chr8-67201493-C-G. GRCh37 (hg19) VCF-style: chr8-68113728-C-G.
Other names: c.5241G>C, p.Trp1747Cys (NM_001413184.1, NM_001413187.1, NM_001413194.1); c.5223G>C, p.Trp1741Cys (NM_001413185.1, NM_001413186.1, NM_001413189.1); c.4641G>C, p.Trp1547Cys (NM_001413188.1, NM_001413197.1); c.5235G>C, p.Trp1745Cys (NM_001413190.1); c.5145G>C, p.Trp1715Cys (NM_001413191.1); c.5127G>C, p.Trp1709Cys (NM_001413192.1); c.4623G>C, p.Trp1541Cys (NM_001413193.1); c.3816G>C, p.Trp1272Cys (NM_001413196.1); short protein forms W1272C, W1541C, W1547C, W1709C, W1715C, W1741C, W1745C, W1747C.
Identifiers: ClinVar variation 3367877 (VCV003367877.1).